The following is an entry in ClinVar:

ClinVar aggregate classification (germline): Uncertain significance. Review status: criteria provided, multiple submitters, no conflicts (2 of 4 stars). 2 submissions from 2 submitters: Uncertain significance (2). Last evaluated 2024-04-04.

Conditions:
Intellectual developmental disorder, autosomal recessive 65. Also called: Intellectual disability, autosomal recessive 65; MENTAL RETARDATION, AUTOSOMAL RECESSIVE 65. Identifiers: MedGen C4748219, MONDO:0020850, OMIM 618109.

Allele frequency attached by ClinVar (database versions not stated): gnomAD exomes below 0.00001; TOPMed below 0.00001.
gnomAD v4.1: 8 of 1,612,852 alleles (0.0005%); highest among the groups gnomAD compares: Non-Finnish European, 0.00042%; no homozygotes.

Submissions (2):

Genomic Medicine Center of Excellence, King Faisal Specialist Hospital and Research Centre
Classification: Uncertain significance for Intellectual developmental disorder, autosomal recessive 65. Last evaluated: 2024-04-04. Review status: criteria provided, single submitter. Criteria: ACMG Guidelines, 2015. Collection method: clinical testing. Allele origin: germline.

CeGaT Center for Human Genetics Tuebingen
Classification: Uncertain significance. Last evaluated: 2023-11-01. Review status: criteria provided, single submitter. Criteria: CeGaT Center For Human Genetics Tuebingen Variant Classification Criteria Version 2. Collection method: clinical testing. Allele origin: germline. Affected: yes. Observed: 1 variant allele.
Comment: KDM5B: PM5, PP3

NM_006618.5(KDM5B):c.292C>T (p.Arg98Cys)

Gene: KDM5B (lysine demethylase 5B; minus strand). Cytogenetic location: 1q32.1.
Variant type: single nucleotide variant.
Coding change: c.292C>T on transcript NM_006618.5 (MANE Select); coding-DNA position 292, C replaced by T.
Protein change: p.Arg98Cys; replaces arginine 98 with cysteine.
Molecular consequence: missense variant.
Genome position (GRCh38, 1-based): chr1:202,774,726, G>A on the plus strand (C>T on the coding strand, the complement: KDM5B is on the minus strand). VCF-style: chr1-202774726-G-A. GRCh37 (hg19) VCF-style: chr1-202743854-G-A.
Other names: c.292C>T, p.Arg98Cys (NM_001314042.2, NM_001347591.2); c.277C>T, p.Arg93Cys (NM_001399817.1); short protein forms R93C, R98C.
Identifiers: ClinVar variation 2672380 (VCV002672380.23), dbSNP rs1656866068, ClinGen allele CA344264051.